The following is an entry in ClinVar:

NM_130837.3(OPA1):c.205C>G (p.Pro69Ala)

Gene: OPA1 (OPA1 mitochondrial dynamin like GTPase; plus strand). Cytogenetic location: 3q29.
Variant type: single nucleotide variant.
Coding change: c.205C>G on transcript NM_130837.3 (MANE Select); coding-DNA position 205, C replaced by G.
Protein change: p.Pro69Ala; replaces proline 69 with alanine.
Molecular consequence: missense variant. On other transcripts: 5 prime UTR variant (2).
Genome position (GRCh38, 1-based): chr3:193,614,895, C>G. VCF-style: chr3-193614895-C-G. GRCh37 (hg19) VCF-style: chr3-193332684-C-G.
Other names: p.Pro69Ala; c.205C>G (NM_130837.2); c.-168C>G (NM_001354663.2, NM_001354664.2); c.205C>G, p.Pro69Ala (NM_015560.3, NM_130831.3, NM_130832.3 and 4 more transcripts); short protein forms P69A.
Identifiers: ClinVar variation 214889 (VCV000214889.10), dbSNP rs750775588, ClinGen allele CA324780.
Genomic context (GRCh38, chr3:193,614,895, plus strand): 5'-AAGCTTCAACGACCCCAATTAAGGACATCCTTTCAGCAGTTCTCTTCTCTGACAAACCTT[C>G]CTTTACGTAAACTGAAATTCTCTCCAATTAAATATGGCTACCAGCCTCGCAGGAATTTTT-3'
Protein context (NP_570850.2, residues 59-79): FQQFSSLTNL[Pro69Ala]LRKLKFSPIK

ClinVar aggregate classification (germline): Conflicting classifications of pathogenicity. Review status: criteria provided, conflicting classifications (1 of 4 stars). 4 submissions from 4 submitters: Uncertain significance (3); Likely benign (1). Last evaluated 2026-06-20.

Conditions:
OPA1-related disorder. Also called: OPA1-related condition; OPA1-related disorders.

Allele frequency attached by ClinVar (database versions not stated): gnomAD 0.00001; ExAC 0.00002; gnomAD exomes 0.00002; TOPMed 0.00003.
gnomAD v4.1: 25 of 1,613,874 alleles (0.0015%); highest among the groups gnomAD compares: Non-Finnish European, 0.0021%; no homozygotes.

Submissions (4):

PreventionGenetics, part of Exact Sciences
Classification: Uncertain significance for OPA1-related condition. Last evaluated: 2026-06-20. Review status: criteria provided, single submitter. Criteria: ACMG Guidelines, 2015. Collection method: clinical testing. Allele origin: germline.
Comment: The OPA1 c.205C>G variant is predicted to result in the amino acid substitution p.Pro69Ala. To our knowledge, this variant has not been reported in the literature. This variant is reported in 0.0036% of alleles in individuals of European (Non-Finnish) descent in gnomAD. At this time, the clinical significance of this variant is uncertain due to the absence of conclusive functional and genetic evidence.

Labcorp Genetics (formerly Invitae), Labcorp
Classification: Uncertain significance. Last evaluated: 2026-01-12. Review status: criteria provided, single submitter. Criteria: Invitae Variant Classification Sherloc (09022015). Collection method: clinical testing. Allele origin: germline.
Comment: This sequence change replaces proline, which is neutral and non-polar, with alanine, which is neutral and non-polar, at codon 69 of the OPA1 protein (p.Pro69Ala). This variant is present in population databases (rs750775588, gnomAD 0.004%). This variant has not been reported in the literature in individuals affected with OPA1-related conditions. ClinVar contains an entry for this variant (Variation ID: 214889). Invitae Evidence Modeling of protein sequence and biophysical properties (such as structural, functional, and spatial information, amino acid conservation, physicochemical variation, residue mobility, and thermodynamic stability) indicates that this missense variant is not expected to disrupt OPA1 protein function with a negative predictive value of 80%. In summary, the available evidence is currently insufficient to determine the role of this variant in disease. Therefore, it has been classified as a Variant of Uncertain Significance.

Mayo Clinic Laboratories, Mayo Clinic
Classification: Uncertain significance. Last evaluated: 2021-05-06. Review status: criteria provided, single submitter. Criteria: ACMG Guidelines, 2015. Collection method: clinical testing. Allele origin: germline.

GeneDx
Classification: Likely benign. Last evaluated: 2013-05-20. Review status: criteria provided, single submitter. Criteria: GeneDx Variant Classification (06012015). Collection method: clinical testing. Allele origin: germline. Affected: yes.
Comment: This variant is considered likely benign or benign based on one or more of the following criteria: it is a conservative change, it occurs at a poorly conserved position in the protein, it is predicted to be benign by multiple in silico algorithms, and/or has population frequency not consistent with disease.